The following is an entry in ClinVar:

ClinVar aggregate classification (germline): Likely benign (1 of 4 stars; one submission).

Allele frequency attached by ClinVar (database versions not stated): 1000 Genomes Project 0.00060; 1000 Genomes Project 30x 0.00062; ESP Exome Variant Server 0.00100; TOPMed 0.00110.
gnomAD v4.1: 2,877 of 1,614,112 alleles (0.18%); highest among the groups gnomAD compares: Non-Finnish European, 0.23%; 1 homozygote.

Submission:

CeGaT Center for Human Genetics Tuebingen
Classification: Likely benign. Last evaluated: 2022-12-01. Review status: criteria provided, single submitter. Criteria: CeGaT Center For Human Genetics Tuebingen Variant Classification Criteria Version 2. Collection method: clinical testing. Allele origin: germline. Affected: yes. Observed: 1 variant allele.
Comment: ALDH1L1: BP4, BP7

NM_012190.4(ALDH1L1):c.429C>A (p.Thr143=)

Gene: ALDH1L1 (aldehyde dehydrogenase 1 family member L1; minus strand). Cytogenetic location: 3q21.3.
Variant type: single nucleotide variant.
Coding change: c.429C>A on transcript NM_012190.4 (MANE Select); coding-DNA position 429, C replaced by A.
Protein change: p.Thr143=; no amino-acid change (threonine 143 retained).
Molecular consequence: synonymous variant. On other transcripts: non-coding transcript variant (1), intron variant (1).
Genome position (GRCh38, 1-based): chr3:126,157,442, G>T on the plus strand (C>A on the coding strand, the complement: ALDH1L1 is on the minus strand). VCF-style: chr3-126157442-G-T. GRCh37 (hg19) VCF-style: chr3-125876285-G-T.
Other names: c.351+974C>A (NM_001270365.2); c.459C>A, p.Thr153= (NM_001270364.2).
Identifiers: ClinVar variation 2654092 (VCV002654092.24), dbSNP rs138630452, ClinGen allele CA2588810.